The following is an entry in ClinVar:

NM_004577.4(PSPH):c.593G>A (p.Gly198Glu)

Gene: PSPH (phosphoserine phosphatase; minus strand). Cytogenetic location: 7p11.2.
Variant type: single nucleotide variant.
Coding change: c.593G>A on transcript NM_004577.4 (MANE Select); coding-DNA position 593, G replaced by A.
Protein change: p.Gly198Glu; replaces glycine 198 with glutamic acid.
Molecular consequence: missense variant.
Genome position (GRCh38, 1-based): chr7:56,011,847, C>T on the plus strand (G>A on the coding strand, the complement: PSPH is on the minus strand). VCF-style: chr7-56011847-C-T. GRCh37 (hg19) VCF-style: chr7-56079540-C-T.
Other names: c.593G>A, p.Gly198Glu (NM_001370503.1, NM_001370504.1, NM_001370505.1 and 17 more transcripts); short protein forms G198E.
Identifiers: ClinVar variation 2015770 (VCV002015770.4), dbSNP rs2534769564, ClinGen allele CA367595475.
Genomic context (GRCh38, chr7:56,011,847, plus strand): 5'-TCTACAAAATCAGTGATATACCATTTGGCGTTATCCTTGACTTGTTGCCTGATCACATTT[C>T]CTCCAAATCCAATGAAAGCATCCTAAGAAGGAAGAAAAGAGAGAGAAATGATTTTTATTT-3'
Protein context (NP_004568.2, residues 188-208): PPADAFIGFG[Gly198Glu]NVIRQQVKDN

ClinVar aggregate classification (germline): Uncertain significance (1 of 4 stars; one submission).

Conditions:
Deficiency of phosphoserine phosphatase (PSPHD). Also called: Phosphoserine phosphatase deficiency; PSPH deficiency. Identifiers: Orphanet 79350, MedGen C1291463, MONDO:0013531, OMIM 614023.

Allele frequency attached by ClinVar (database versions not stated): gnomAD exomes below 0.00001.
gnomAD v4.1: 1 of 1,611,282 alleles (0.000062%); highest among the groups gnomAD compares: Non-Finnish European, 0.000085%; no homozygotes.

Submission:

Labcorp Genetics (formerly Invitae), Labcorp
Classification: Uncertain significance for Deficiency of phosphoserine phosphatase. Last evaluated: 2022-07-10. Review status: criteria provided, single submitter. Criteria: Invitae Variant Classification Sherloc (09022015). Collection method: clinical testing. Allele origin: germline.
Comment: This variant has not been reported in the literature in individuals affected with PSPH-related conditions. Algorithms developed to predict the effect of missense changes on protein structure and function are either unavailable or do not agree on the potential impact of this missense change (SIFT: "Deleterious"; PolyPhen-2: "Probably Damaging"; Align-GVGD: "Class C15"). In summary, the available evidence is currently insufficient to determine the role of this variant in disease. Therefore, it has been classified as a Variant of Uncertain Significance. This variant is not present in population databases (gnomAD no frequency). This sequence change replaces glycine, which is neutral and non-polar, with glutamic acid, which is acidic and polar, at codon 198 of the PSPH protein (p.Gly198Glu).